The following is an entry in ClinVar:

NM_020738.4(KIDINS220):c.4550A>G (p.Gln1517Arg)

Gene: KIDINS220 (kinase D interacting substrate 220; minus strand). Cytogenetic location: 2p25.1.
Variant type: single nucleotide variant.
Coding change: c.4550A>G on transcript NM_020738.4 (MANE Select); coding-DNA position 4550, A replaced by G.
Protein change: p.Gln1517Arg; replaces glutamine 1517 with arginine.
Molecular consequence: missense variant. On other transcripts: intron variant (6).
Genome position (GRCh38, 1-based): chr2:8,731,486, T>C on the plus strand (A>G on the coding strand, the complement: KIDINS220 is on the minus strand). VCF-style: chr2-8731486-T-C. GRCh37 (hg19) VCF-style: chr2-8871616-T-C.
Other names: c.4553A>G, p.Gln1518Arg (NM_001348729.2); c.4496A>G, p.Gln1499Arg (NM_001348731.2); c.4493A>G, p.Gln1498Arg (NM_001348732.2); c.4382A>G, p.Gln1461Arg (NM_001348734.2); c.4379A>G, p.Gln1460Arg (NM_001348735.2); c.4253A>G, p.Gln1418Arg (NM_001348736.2); c.3882+1958A>G (NM_001348741.2, NM_001348742.2, NM_001348743.2); c.3996+1958A>G (NM_001348738.2); and 3 more; short protein forms Q1461R, Q1418R, Q1460R, Q1518R, Q1498R, Q1499R, Q1517R.
Identifiers: ClinVar variation 1905915 (VCV001905915.9), dbSNP rs767717573, ClinGen allele CA1519351.

ClinVar aggregate classification (germline): Uncertain significance. Review status: criteria provided, multiple submitters, no conflicts (2 of 4 stars). 4 submissions from 4 submitters: Uncertain significance (4). Last evaluated 2026-06-30.

Conditions:
Ventriculomegaly and arthrogryposis. Identifiers: MedGen C5561973, MONDO:0859184, OMIM 619501.
Spastic paraplegia, intellectual disability, nystagmus, and obesity. Also called: Spastic paraplegia, intellectual disability, nystagmus, and obesity;. Identifiers: Orphanet 521390, MedGen C4284592, MONDO:0015007, OMIM 617296.
KIDINS220-related disorder. Also called: KIDINS220-related condition.
Inborn genetic diseases. Identifiers: MedGen C0950123, MeSH D030342.

Allele frequency attached by ClinVar (database versions not stated): gnomAD exomes 0.00001; ExAC 0.00002; gnomAD 0.00008; TOPMed 0.00010.
gnomAD v4.1: 21 of 1,614,122 alleles (0.0013%); highest among the groups gnomAD compares: African/African-American, 0.023%; no homozygotes.

Submissions (4):

PreventionGenetics, part of Exact Sciences
Classification: Uncertain significance for KIDINS220-related condition. Last evaluated: 2026-06-30. Review status: criteria provided, single submitter. Criteria: ACMG Guidelines, 2015. Collection method: clinical testing. Allele origin: germline.
Comment: The KIDINS220 c.4550A>G variant is predicted to result in the amino acid substitution p.Gln1517Arg. To our knowledge, this variant has not been reported in the literature. This variant is reported in 0.025% of alleles in individuals of African descent in gnomAD. At this time, the clinical significance of this variant is uncertain due to the absence of conclusive functional and genetic evidence.

Ambry Genetics
Classification: Uncertain significance for Inborn genetic diseases. Last evaluated: 2025-08-01. Review status: criteria provided, single submitter. Criteria: Ambry Variant Classification Scheme 2023. Collection method: clinical testing. Allele origin: germline.

New York Genome Center
Classification: Uncertain significance for Spastic paraplegia, intellectual disability, nystagmus, and obesity; Ventriculomegaly and arthrogryposis. Last evaluated: 2023-03-31. Review status: criteria provided, single submitter. Criteria: NYGC Assertion Criteria 2020. Collection method: clinical testing. Allele origin: germline. Observed: 1 heterozygote.

Labcorp Genetics (formerly Invitae), Labcorp
Classification: Uncertain significance. Last evaluated: 2022-08-13. Review status: criteria provided, single submitter. Criteria: Invitae Variant Classification Sherloc (09022015). Collection method: clinical testing. Allele origin: germline.
Comment: This sequence change replaces glutamine, which is neutral and polar, with arginine, which is basic and polar, at codon 1517 of the KIDINS220 protein (p.Gln1517Arg). This variant is present in population databases (rs767717573, gnomAD 0.02%). This variant has not been reported in the literature in individuals affected with KIDINS220-related conditions. Algorithms developed to predict the effect of missense changes on protein structure and function are either unavailable or do not agree on the potential impact of this missense change (SIFT: "Tolerated"; PolyPhen-2: "Possibly Damaging"; Align-GVGD: "Class C0"). In summary, the available evidence is currently insufficient to determine the role of this variant in disease. Therefore, it has been classified as a Variant of Uncertain Significance.